The following is an entry in ClinVar:

NM_001379110.1(SLC9A6):c.1551-11T>C

Gene: SLC9A6 (solute carrier family 9 member A6; plus strand). Cytogenetic location: Xq26.3.
Variant type: single nucleotide variant.
Coding change: c.1551-11T>C on transcript NM_001379110.1 (MANE Select); 11 bases into the intron before coding-DNA position 1551, T replaced by C.
Molecular consequence: intron variant.
Genome position (GRCh38, 1-based): chrX:136,030,121, T>C. VCF-style: chrX-136030121-T-C. GRCh37 (hg19) VCF-style: chrX-135112280-T-C.
Other names: c.1617-11T>C (NM_001042537.2); c.1521-11T>C (NM_006359.3); c.1461-11T>C (NM_001177651.2); c.1365-11T>C (NM_001330652.2).
Identifiers: ClinVar variation 1280645 (VCV001280645.9), dbSNP rs147479371, ClinGen allele CA10524821.

ClinVar aggregate classification (germline): Likely benign. Review status: criteria provided, multiple submitters, no conflicts (2 of 4 stars). 2 submissions from 2 submitters: Likely benign (2). Last evaluated 2025-10-01.

Conditions:
Christianson syndrome (MRXSCH). Also called: INTELLECTUAL DEVELOPMENTAL DISORDER, X-LINKED, SYNDROMIC, CHRISTIANSON TYPE; X-linked mental retardation, syndromic, Christianson type; SLC9A6-Related Syndromic Mental Retardation. Identifiers: Orphanet 85278, MedGen C2678194, MONDO:0010278, OMIM 300243.

Allele frequency attached by ClinVar (database versions not stated): gnomAD exomes 0.00002 and 0.00003; ExAC 0.00003; TOPMed 0.00006; gnomAD 0.00007; 1000 Genomes Project 30x 0.00042; 1000 Genomes Project 0.00053.
gnomAD v4.1: 58 of 1,209,212 alleles (0.0048%); highest among the groups gnomAD compares: African/African-American, 0.061%; no homozygotes.

Submissions (2):

Labcorp Genetics (formerly Invitae), Labcorp
Classification: Likely benign for Christianson syndrome. Last evaluated: 2025-10-01. Review status: criteria provided, single submitter. Criteria: Invitae Variant Classification Sherloc (09022015). Collection method: clinical testing. Allele origin: germline.

GeneDx
Classification: Likely benign. Last evaluated: 2020-09-22. Review status: criteria provided, single submitter. Criteria: GeneDx Variant Classification Process June 2021. Collection method: clinical testing. Allele origin: germline. Affected: yes.
Comment: In silico analysis supports that this variant does not alter splicing; Has not been previously published as pathogenic or benign to our knowledge